The following is an entry in ClinVar:

ClinVar aggregate classification (germline): Uncertain significance (1 of 4 stars; one submission).

Allele frequency attached by ClinVar (database versions not stated): gnomAD exomes 0.00001 and 0.00003; TOPMed 0.00002; ExAC 0.00003; gnomAD 0.00003.
gnomAD v4.1: 40 of 1,611,272 alleles (0.0025%); highest among the groups gnomAD compares: Middle Eastern, 0.016%; no homozygotes.

Submission:

Labcorp Genetics (formerly Invitae), Labcorp
Classification: Uncertain significance. Last evaluated: 2021-08-05. Review status: criteria provided, single submitter. Criteria: Invitae Variant Classification Sherloc (09022015). Collection method: clinical testing. Allele origin: germline.
Comment: This variant has not been reported in the literature in individuals affected with SPEG-related conditions. In summary, the available evidence is currently insufficient to determine the role of this variant in disease. Therefore, it has been classified as a Variant of Uncertain Significance. Algorithms developed to predict the effect of missense changes on protein structure and function are either unavailable or do not agree on the potential impact of this missense change (SIFT: "Deleterious"; PolyPhen-2: "Probably Damaging"; Align-GVGD: "Class C0"). This variant is present in population databases (rs781110021, ExAC 0.005%). This sequence change replaces serine with leucine at codon 2329 of the SPEG protein (p.Ser2329Leu). The serine residue is highly conserved and there is a large physicochemical difference between serine and leucine.

NM_005876.5(SPEG):c.6986C>T (p.Ser2329Leu)

Genes: ASIC4-AS1 (ASIC4 antisense RNA 1; minus strand), SPEG (striated muscle enriched protein kinase; plus strand). Cytogenetic location: 2q35.
Variant type: single nucleotide variant.
Coding change: c.6986C>T on transcript NM_005876.5 (MANE Select); coding-DNA position 6986, C replaced by T.
Protein change: p.Ser2329Leu; replaces serine 2329 with leucine.
Molecular consequence: missense variant.
Genome position (GRCh38, 1-based): chr2:219,484,449, C>T. VCF-style: chr2-219484449-C-T. GRCh37 (hg19) VCF-style: chr2-220349171-C-T.
Other names: short protein forms S2329L.
Identifiers: ClinVar variation 1441214 (VCV001441214.4), dbSNP rs781110021, ClinGen allele CA2127157.